The following is an entry in ClinVar:

ClinVar aggregate classification (germline): Uncertain significance (1 of 4 stars; one submission).

Conditions:
Gastrointestinal stromal tumor. Also called: Gastrointestinal stromal tumor, somatic; Gastrointestinal stroma tumor. Identifiers: Orphanet 44890, MedGen C0238198, MeSH D046152, MONDO:0011719, OMIM 606764, HP:0100723.

Submission:

Labcorp Genetics (formerly Invitae), Labcorp
Classification: Uncertain significance for Gastrointestinal stromal tumor. Last evaluated: 2018-10-07. Review status: criteria provided, single submitter. Criteria: Invitae Variant Classification Sherloc (09022015). Collection method: clinical testing. Allele origin: germline.
Comment: This sequence change replaces cysteine with tyrosine at codon 664 of the PDGFRA protein (p.Cys664Tyr). The cysteine residue is highly conserved and there is a large physicochemical difference between cysteine and tyrosine. This variant is not present in population databases (ExAC no frequency). This variant has not been reported in the literature in individuals with PDGFRA-related disease. Algorithms developed to predict the effect of missense changes on protein structure and function are either unavailable or do not agree on the potential impact of this missense change (SIFT: "Deleterious"; PolyPhen-2: "Probably Damaging"; Align-GVGD: "Class C0"). In summary, the available evidence is currently insufficient to determine the role of this variant in disease. Therefore, it has been classified as a Variant of Uncertain Significance.

NM_006206.6(PDGFRA):c.1991G>A (p.Cys664Tyr)

Gene: PDGFRA (platelet derived growth factor receptor alpha; plus strand). Cytogenetic location: 4q12.
Variant type: single nucleotide variant.
Coding change: c.1991G>A on transcript NM_006206.6 (MANE Select); coding-DNA position 1991, G replaced by A.
Protein change: p.Cys664Tyr; replaces cysteine 664 with tyrosine.
Molecular consequence: missense variant.
Genome position (GRCh38, 1-based): chr4:54,277,995, G>A. VCF-style: chr4-54277995-G-A. GRCh37 (hg19) VCF-style: chr4-55144162-G-A.
Other names: c.1991G>A, p.Cys664Tyr (NM_001347827.2, NM_001347829.2); c.2066G>A, p.Cys689Tyr (NM_001347828.2); c.2030G>A, p.Cys677Tyr (NM_001347830.2); short protein forms C664Y, C689Y, C677Y.
Identifiers: ClinVar variation 645583 (VCV000645583.9), dbSNP rs1577730986, ClinGen allele CA356893780.